The following is an entry in ClinVar:

NC_000003.11:g.(?_48615911)_(48620525_?)del

Gene: COL7A1 (collagen type VII alpha 1 chain; minus strand). Cytogenetic location: 3p21.31.
Variant type: Deletion.
Identifiers: ClinVar variation 3246954 (VCV003246954.1).

ClinVar aggregate classification (germline): Pathogenic (1 of 4 stars; one submission).

Submission:

Labcorp Genetics (formerly Invitae), Labcorp
Classification: Pathogenic. Last evaluated: 2023-11-10. Review status: criteria provided, single submitter. Criteria: Invitae Variant Classification Sherloc (09022015). Collection method: clinical testing. Allele origin: unknown.
Comment: This variant results in the deletion of exons 43-62 and part of exon 63 (c.4482+35_5462del) of the COL7A1 gene. It is expected to disrupt splicing. Variants that disrupt the donor or acceptor splice site typically lead to a loss of protein function (PMID: 16199547), and loss-of-function variants in COL7A1 are known to be disease-causing for autosomal recessive dystrophic epidermolysis bullosa (PMID: 16971478). However, certain variants affecting donor or acceptor splice sites in the triple helical domain of COL7A1 are expected to result in in-frame exon skipping and have been reported to cause autosomal dominant dystrophic epidermolysis bullosa (PMID: 31670143). This variant has not been observed in the literature in individuals with autosomal recessive COL7A1-related conditions. This variant has been reported in individual(s) with clinical features of autosomal dominant epidermolysis bullosa (Invitae); however, the role of the variant in this condition is currently unclear. This variant disrupts a region of the COL7A1 protein in which other variant(s) (p.Gly1661Arg) have been determined to be pathogenic (Invitae). This suggests that this is a clinically significant region of the protein, and that variants that disrupt it are likely to be disease-causing. For these reasons, this variant has been classified as Pathogenic.

Literature cited by the submitters: PubMed 16199547; PubMed 16971478; PubMed 31670143.